The following is an entry in ClinVar:

ClinVar aggregate classification (germline): Uncertain significance (1 of 4 stars; one submission).

Allele frequency attached by ClinVar (database versions not stated): TOPMed 0.00002; gnomAD 0.00008 and 0.00009; gnomAD exomes 0.00008 and 0.00021; ExAC 0.00031.
gnomAD v4.1: 135 of 1,609,528 alleles (0.0084%); highest among the groups gnomAD compares: Non-Finnish European, 0.0044%; 1 homozygote.

Submission:

Labcorp Genetics (formerly Invitae), Labcorp
Classification: Uncertain significance. Last evaluated: 2022-01-14. Review status: criteria provided, single submitter. Criteria: Invitae Variant Classification Sherloc (09022015). Collection method: clinical testing. Allele origin: germline.
Comment: This sequence change replaces glutamic acid, which is acidic and polar, with glycine, which is neutral and non-polar, at codon 1556 of the C5 protein (p.Glu1556Gly). This variant is present in population databases (rs201704886, gnomAD 0.1%). This variant has not been reported in the literature in individuals affected with C5-related conditions. Algorithms developed to predict the effect of missense changes on protein structure and function (SIFT, PolyPhen-2, Align-GVGD) all suggest that this variant is likely to be tolerated. In summary, the available evidence is currently insufficient to determine the role of this variant in disease. Therefore, it has been classified as a Variant of Uncertain Significance.

NM_001735.3(C5):c.4667A>G (p.Glu1556Gly)

Gene: C5 (complement C5; minus strand). Cytogenetic location: 9q33.2.
Variant type: single nucleotide variant.
Coding change: c.4667A>G on transcript NM_001735.3 (MANE Select); coding-DNA position 4667, A replaced by G.
Protein change: p.Glu1556Gly; replaces glutamic acid 1556 with glycine.
Molecular consequence: missense variant.
Genome position (GRCh38, 1-based): chr9:120,960,259, T>C on the plus strand (A>G on the coding strand, the complement: C5 is on the minus strand). VCF-style: chr9-120960259-T-C. GRCh37 (hg19) VCF-style: chr9-123722537-T-C.
Other names: c.4685A>G, p.Glu1562Gly (NM_001317163.2); short protein forms E1556G, E1562G.
Identifiers: ClinVar variation 1481608 (VCV001481608.5), dbSNP rs201704886, ClinGen allele CA5217111.